The following is an entry in ClinVar:

ClinVar aggregate classification (germline): Pathogenic (3 of 4 stars; one submission).

Conditions:
Breast-ovarian cancer, familial, susceptibility to, 1 (BROVCA1). Also called: BRCA1 Hereditary Breast and Ovarian Cancer; OVARIAN CANCER, SUSCEPTIBILITY TO. Identifiers: Orphanet 145, MedGen C2676676, MONDO:0011450, OMIM 604370. Disease mechanism: loss of function.

Submission:

Evidence-based Network for the Interpretation of Germline Mutant Alleles (ENIGMA)
Classification: Pathogenic for Breast-ovarian cancer, familial, susceptibility to, 1. Last evaluated: 2017-12-15. Review status: reviewed by expert panel. Criteria: ENIGMA BRCA1/2 Classification Criteria (2017-06-29). Collection method: curation. Allele origin: germline. Study: ENIGMA.
Comment: Variant allele predicted to encode a truncated non-functional protein.

NM_007294.4(BRCA1):c.4168_4169del (p.Asp1390fs)

Gene: BRCA1 (BRCA1 DNA repair associated; minus strand). Cytogenetic location: 17q21.31.
Variant type: Deletion.
Coding change: c.4168_4169del on transcript NM_007294.4 (MANE Select); coding-DNA positions 4168 to 4169, 2 bases deleted (GA; older notation c.4168_4169delGA).
Protein change: p.Asp1390fs; shifts the reading frame from aspartic acid 1390.
Molecular consequence: frameshift variant. On other transcripts: non-coding transcript variant (1).
Genome position (GRCh38, 1-based): chr17:43,090,960-43,090,961, TC deleted on the plus strand (GA on the coding strand, the reverse complement: BRCA1 is on the minus strand). VCF-style (leftmost placement, unchanged base first): chr17-43090959-GTC-G. GRCh37 (hg19) VCF-style: chr17-41242976-GTC-G.
Other names: c.3784_3785delGA, p.Asp1262Hisfs (NM_001407962.1); c.3787_3788delGA, p.Asp1263Hisfs (NM_001407963.1, NM_001407959.1, NM_001407960.1); c.4024_4025delGA, p.Asp1342Hisfs (NM_001407964.1, NM_001407740.1, NM_001407741.1 and 20 more transcripts); c.3664_3665delGA, p.Asp1222Hisfs (NM_001407965.1); c.3280_3281delGA, p.Asp1094Hisfs (NM_001407966.1, NM_001407967.1); c.1564_1565delGA, p.Asp522Hisfs (NM_001407968.1, NM_001407969.1); c.859_860delGA, p.Asp287Hisfs (NM_001407970.1, NM_001407971.1, NM_001407973.1 and 17 more transcripts); c.856_857delGA, p.Asp286Hisfs (NM_001407972.1, NM_001407984.1, NM_001407985.1 and 13 more transcripts); and 44 more; short protein forms D1390fs, D287fs, D1343fs.
Identifiers: ClinVar variation 548304 (VCV000548304.2), dbSNP rs1555586103, ClinGen allele CA658825026.